The following is an entry in ClinVar:

NM_001369.3(DNAH5):c.10872+1G>A

Gene: DNAH5 (dynein axonemal heavy chain 5; minus strand). Cytogenetic location: 5p15.2.
Variant type: single nucleotide variant.
Coding change: c.10872+1G>A on transcript NM_001369.3 (MANE Select); the canonical splice donor site of the intron after coding-DNA position 10872, G replaced by A.
Molecular consequence: splice donor variant.
Genome position (GRCh38, 1-based): chr5:13,753,232, C>T on the plus strand (G>A on the coding strand, the complement: DNAH5 is on the minus strand). VCF-style: chr5-13753232-C-T. GRCh37 (hg19) VCF-style: chr5-13753341-C-T.
Identifiers: ClinVar variation 1490795 (VCV001490795.8), dbSNP rs2126700213, ClinGen allele CA359190705.

ClinVar aggregate classification (germline): Likely pathogenic (1 of 4 stars; one submission).

Conditions:
Primary ciliary dyskinesia. Also called: Ciliary dyskinesia. Identifiers: Orphanet 244, MedGen C0008780, MONDO:0016575, HP:0012265.

Submission:

Labcorp Genetics (formerly Invitae), Labcorp
Classification: Likely pathogenic for Primary ciliary dyskinesia. Last evaluated: 2021-03-24. Review status: criteria provided, single submitter. Criteria: Invitae Variant Classification Sherloc (09022015). Collection method: clinical testing. Allele origin: germline.
Comment: This sequence change affects a donor splice site in intron 63 of the DNAH5 gene. It is expected to disrupt RNA splicing. Variants that disrupt the donor or acceptor splice site typically lead to a loss of protein function (PMID: 16199547), and loss-of-function variants in DNAH5 are known to be pathogenic (PMID: 11788826, 16627867). In summary, the currently available evidence indicates that the variant is pathogenic, but additional data are needed to prove that conclusively. Therefore, this variant has been classified as Likely Pathogenic. Algorithms developed to predict the effect of sequence changes on RNA splicing suggest that this variant may disrupt the consensus splice site, but this prediction has not been confirmed by published transcriptional studies. This variant has not been reported in the literature in individuals with DNAH5-related conditions. This variant is not present in population databases (ExAC no frequency).

Literature cited by the submitters: PubMed 16199547; PubMed 11788826; PubMed 16627867.